The following is an entry in ClinVar:

ClinVar aggregate classification (germline): Likely benign (1 of 4 stars; one submission).

Allele frequency attached by ClinVar (database versions not stated): TOPMed 0.00235; 1000 Genomes Project 0.00240; gnomAD 0.00244; 1000 Genomes Project 30x 0.00265.
gnomAD v4.1: 3,450 of 1,390,436 alleles (0.25%); highest among the groups gnomAD compares: Non-Finnish European, 0.31%; 10 homozygotes.

Submission:

CeGaT Center for Human Genetics Tuebingen
Classification: Likely benign. Last evaluated: 2026-01-01. Review status: criteria provided, single submitter. Criteria: CeGaT Center For Human Genetics Tuebingen Variant Classification Criteria Version 2. Collection method: clinical testing. Allele origin: germline. Affected: yes. Observed: 3 variant alleles.
Comment: SERPING1: BS1

NM_000062.3(SERPING1):c.1029+84G>A

Gene: SERPING1 (serpin family G member 1; plus strand). Cytogenetic location: 11q12.1.
Variant type: single nucleotide variant.
Coding change: c.1029+84G>A on transcript NM_000062.3 (MANE Select); 84 bases into the intron after coding-DNA position 1029, G replaced by A.
Molecular consequence: intron variant.
Genome position (GRCh38, 1-based): chr11:57,606,631, G>A. VCF-style: chr11-57606631-G-A. GRCh37 (hg19) VCF-style: chr11-57374104-G-A.
Other names: c.1029+84G>A (NM_001032295.2).
Identifiers: ClinVar variation 2641792 (VCV002641792.24), dbSNP rs118132731, ClinGen allele CA223055513.